The following is an entry in ClinVar:

NM_015662.3(IFT172):c.2975+5G>C

Gene: IFT172 (intraflagellar transport 172; minus strand). Cytogenetic location: 2p23.3.
Variant type: single nucleotide variant.
Coding change: c.2975+5G>C on transcript NM_015662.3 (MANE Select); 5 bases into the intron after coding-DNA position 2975, G replaced by C.
Molecular consequence: intron variant.
Genome position (GRCh38, 1-based): chr2:27,458,121, C>G on the plus strand (G>C on the coding strand, the complement: IFT172 is on the minus strand). VCF-style: chr2-27458121-C-G. GRCh37 (hg19) VCF-style: chr2-27680988-C-G.
Other names: c.2909+5G>C (NM_001410739.1); c.2975+5G>C (NM_015662.2).
Identifiers: ClinVar variation 3343163 (VCV003343163.2).
Genomic context (GRCh38, chr2:27,458,121, plus strand): 5'-CCCATCCCTCGTCCCAGCCTTGAAATCTCATCTCCCTCTACACCTCCTCTGGGGCCACGG[C>G]TCACCTTTCAGCCTCACGGTACTTGCCCTGCTTCTCCATTTCCTGGGCCTGAGTGATGTA-3'

ClinVar aggregate classification (germline): Uncertain significance. Review status: criteria provided, multiple submitters, no conflicts (2 of 4 stars). 2 submissions from 2 submitters: Uncertain significance (2). Last evaluated 2025-04-14.

Conditions:
IFT172-related disorder. Also called: IFT172-related disorders; IFT172-related condition.

gnomAD v4.1: 21 of 1,613,894 alleles (0.0013%); highest among the groups gnomAD compares: Non-Finnish European, 0.0018%; no homozygotes.

Submissions (2):

PreventionGenetics, part of Exact Sciences
Classification: Uncertain significance for IFT172-related condition. Last evaluated: 2025-04-14. Review status: criteria provided, single submitter. Criteria: ACMG Guidelines, 2015. Collection method: clinical testing. Allele origin: germline.
Comment: The IFT172 c.2975+5G>C variant is predicted to interfere with splicing. To our knowledge, this variant has not been reported in the literature. This variant is reported in 0.0026% of alleles in individuals of European (Non-Finnish) descent in gnomAD. At this time, the clinical significance of this variant is uncertain due to the absence of conclusive functional and genetic evidence.

GeneDx
Classification: Uncertain significance. Last evaluated: 2023-04-24. Review status: criteria provided, single submitter. Criteria: GeneDx Variant Classification Process June 2021. Collection method: clinical testing. Allele origin: germline. Affected: yes.
Comment: Not observed at significant frequency in large population cohorts (gnomAD); Has not been previously published as pathogenic or benign to our knowledge; In silico analysis suggests this variant may impact gene splicing. In the absence of RNA/functional studies, the actual effect of this sequence change is unknown.